The following is an entry in ClinVar:

ClinVar aggregate classification (germline): Benign. Review status: criteria provided, multiple submitters, no conflicts (2 of 4 stars). 5 submissions from 5 submitters: Benign (4). 1 of the submissions does not count toward it. Last evaluated 2026-02-04.

Conditions:
Mitochondrial DNA depletion syndrome 3 (hepatocerebral type). Also called: Mitochondrial DNA depletion syndrome, hepatocerebral form due to DGUOK deficiency; MITOCHONDRIAL DNA DEPLETION SYNDROME 3; Deoxyguanosine Kinase Deficiency. Identifiers: Orphanet 279934, MedGen CN074093, MONDO:0009636, OMIM 251880.

Allele frequency attached by ClinVar (database versions not stated): 1000 Genomes Project 0.00699; 1000 Genomes Project 30x 0.00796; TOPMed 0.01541; gnomAD 0.01677 and 0.01745; gnomAD exomes 0.01870; ESP Exome Variant Server 0.01991; ExAC 0.02035.
gnomAD v4.1: 38,291 of 1,613,022 alleles (2.4%); highest among the groups gnomAD compares: Non-Finnish European, 2.9%; 574 homozygotes.

Submissions (5):

Labcorp Genetics (formerly Invitae), Labcorp
Classification: Benign. Last evaluated: 2026-02-04. Review status: criteria provided, single submitter. Criteria: Invitae Variant Classification Sherloc (09022015). Collection method: clinical testing. Allele origin: germline.

Illumina Laboratory Services, Illumina
Classification: Benign for Mitochondrial DNA depletion syndrome 3 (hepatocerebral type). Last evaluated: 2018-01-13. Review status: criteria provided, single submitter. Criteria: ICSL Variant Classification Criteria 13 December 2019. Collection method: clinical testing. Allele origin: germline.
Comment: This variant was observed in the ICSL laboratory as part of a predisposition screen in an ostensibly healthy population. It had not been previously curated by ICSL or reported in the Human Gene Mutation Database (HGMD: prior to June 1st, 2018), and was therefore a candidate for classification through an automated scoring system. Utilizing variant allele frequency, disease prevalence and penetrance estimates, and inheritance mode, an automated score was calculated to assess if this variant is too frequent to cause the disease. Based on the score and internal cut-off values, a variant classified as benign is not then subjected to further curation. The score for this variant resulted in a classification of benign for this disease.

GeneDx
Classification: Benign. Last evaluated: 2011-07-08. Review status: criteria provided, single submitter. Criteria: GeneDx Variant Classification (06012015). Collection method: clinical testing. Allele origin: germline. Affected: yes.
Comment: This variant is considered likely benign or benign based on one or more of the following criteria: it is a conservative change, it occurs at a poorly conserved position in the protein, it is predicted to be benign by multiple in silico algorithms, and/or has population frequency not consistent with disease.

Breakthrough Genomics
Classification: Benign. Review status: criteria provided, single submitter. Criteria: ACMG Guidelines, 2015. Collection method: not provided. Allele origin: germline. Inheritance: Autosomal recessive inheritance. Affected: yes.

Mayo Clinic Laboratories, Mayo Clinic
Classification: Benign. Last evaluated: 2016-02-26. Review status: no assertion criteria provided. Collection method: clinical testing. Allele origin: unknown. Not counted in ClinVar's aggregate classification.

NM_080916.3(DGUOK):c.159G>A (p.Thr53=)

Gene: DGUOK (deoxyguanosine kinase; plus strand). Cytogenetic location: 2p13.1.
Variant type: single nucleotide variant.
Coding change: c.159G>A on transcript NM_080916.3 (MANE Select); coding-DNA position 159, G replaced by A.
Protein change: p.Thr53=; no amino-acid change (threonine 53 retained).
Molecular consequence: synonymous variant. On other transcripts: intron variant (4).
Genome position (GRCh38, 1-based): chr2:73,938,926, G>A. VCF-style: chr2-73938926-G-A. GRCh37 (hg19) VCF-style: chr2-74166053-G-A.
Other names: p.T53T:ACG>ACA; c.159G>A, p.Thr53= (NM_001318859.2, NM_080918.3); c.-37+6243G>A (NM_001318861.2, NM_001318862.2); c.-36-7793G>A (NM_001318860.2, NM_001318863.2).
Identifiers: ClinVar variation 137080 (VCV000137080.18), dbSNP rs62641680, ClinGen allele CA290582.
Genomic context (GRCh38, chr2:73,938,926, plus strand): 5'-CCCTGATTTGGGAAGCATCCCAATACATGCTATTTGCATTGCAGCTGTGGGAAAGTCCAC[G>A]TTTGTGAAGTTACTCACGAAAACTTACCCAGAATGGCACGTAGCTACAGAACCTGTAGCA-3'
Protein context (NP_550438.1, residues 43-63): IEGNIAVGKS[Thr53=]FVKLLTKTYP